The following is an entry in ClinVar:

ClinVar aggregate classification (germline): Uncertain significance. Review status: criteria provided, multiple submitters, no conflicts (2 of 4 stars). 3 submissions from 3 submitters: Uncertain significance (2). 1 of the submissions does not count toward it. Last evaluated 2025-08-30.

Conditions:
Inborn genetic diseases. Identifiers: MedGen C0950123, MeSH D030342.
Epidermolysis bullosa dystrophica inversa, autosomal recessive. Identifiers: MedGen C2673612.

Allele frequency attached by ClinVar (database versions not stated): gnomAD 0.00001; TOPMed 0.00001.
gnomAD v4.1: 15 of 1,614,038 alleles (0.00093%); highest among the groups gnomAD compares: Admixed American, 0.005%; no homozygotes.

Submissions (3):

Ambry Genetics
Classification: Uncertain significance for Inborn genetic diseases. Last evaluated: 2025-08-30. Review status: criteria provided, single submitter. Criteria: Ambry Variant Classification Scheme 2023. Collection method: clinical testing. Allele origin: germline.

Labcorp Genetics (formerly Invitae), Labcorp
Classification: Uncertain significance. Last evaluated: 2021-12-18. Review status: criteria provided, single submitter. Criteria: Invitae Variant Classification Sherloc (09022015). Collection method: clinical testing. Allele origin: germline.
Comment: This sequence change replaces arginine, which is basic and polar, with histidine, which is basic and polar, at codon 1405 of the COL7A1 protein (p.Arg1405His). This variant is not present in population databases (gnomAD no frequency). This variant has not been reported in the literature in individuals affected with COL7A1-related conditions. ClinVar contains an entry for this variant (Variation ID: 991841). Advanced modeling of protein sequence and biophysical properties (such as structural, functional, and spatial information, amino acid conservation, physicochemical variation, residue mobility, and thermodynamic stability) performed at Invitae indicates that this missense variant is expected to disrupt COL7A1 protein function. In summary, the available evidence is currently insufficient to determine the role of this variant in disease. Therefore, it has been classified as a Variant of Uncertain Significance.

Natera, Inc.
Classification: Uncertain significance for Autosomal recessive epidermolysis bullosa dystrophica inversa. Last evaluated: 2020-10-30. Review status: no assertion criteria provided. Collection method: clinical testing. Allele origin: germline. Not counted in ClinVar's aggregate classification.

NM_000094.4(COL7A1):c.4214G>A (p.Arg1405His)

Gene: COL7A1 (collagen type VII alpha 1 chain; minus strand). Cytogenetic location: 3p21.31.
Variant type: single nucleotide variant.
Coding change: c.4214G>A on transcript NM_000094.4 (MANE Select); coding-DNA position 4214, G replaced by A.
Protein change: p.Arg1405His; replaces arginine 1405 with histidine.
Molecular consequence: missense variant.
Genome position (GRCh38, 1-based): chr3:48,584,045, C>T on the plus strand (G>A on the coding strand, the complement: COL7A1 is on the minus strand). VCF-style: chr3-48584045-C-T. GRCh37 (hg19) VCF-style: chr3-48621478-C-T.
Other names: c.4214G>A (NM_000094.3); short protein forms R1405H.
Identifiers: ClinVar variation 991841 (VCV000991841.4), dbSNP rs2045011505, ClinGen allele CA352694640.